The following is an entry in ClinVar:

ClinVar aggregate classification (germline): Uncertain significance. Review status: criteria provided, multiple submitters, no conflicts (2 of 4 stars). 2 submissions from 2 submitters: Uncertain significance (2). Last evaluated 2024-02-24.

Conditions:
Hereditary nonpolyposis colorectal neoplasms. Identifiers: MedGen C0009405, MeSH D003123.
Hereditary cancer-predisposing syndrome. Also called: Tumor predisposition; Neoplastic Syndromes, Hereditary; Hereditary Cancer Syndrome; Hereditary neoplastic syndrome. Identifiers: Orphanet 140162, MedGen C0027672, MeSH D009386, MONDO:0015356.

Submissions (2):

Ambry Genetics
Classification: Uncertain significance for Hereditary cancer-predisposing syndrome. Last evaluated: 2024-02-24. Review status: criteria provided, single submitter. Criteria: Ambry Variant Classification Scheme 2023. Collection method: clinical testing. Allele origin: germline.
Comment: The p.Y589H variant (also known as c.1765T>C), located in coding exon 4 of the MSH6 gene, results from a T to C substitution at nucleotide position 1765. The tyrosine at codon 589 is replaced by histidine, an amino acid with similar properties. This amino acid position is conserved. In addition, the in silico prediction for this alteration is inconclusive. Based on the available evidence, the clinical significance of this alteration remains unclear.

Labcorp Genetics (formerly Invitae), Labcorp
Classification: Uncertain significance for Hereditary nonpolyposis colorectal neoplasms. Last evaluated: 2023-05-30. Review status: criteria provided, single submitter. Criteria: Invitae Variant Classification Sherloc (09022015). Collection method: clinical testing. Allele origin: germline.
Comment: In summary, the available evidence is currently insufficient to determine the role of this variant in disease. Therefore, it has been classified as a Variant of Uncertain Significance. Advanced modeling of protein sequence and biophysical properties (such as structural, functional, and spatial information, amino acid conservation, physicochemical variation, residue mobility, and thermodynamic stability) performed at Invitae indicates that this missense variant is not expected to disrupt MSH6 protein function. ClinVar contains an entry for this variant (Variation ID: 2084293). This variant has not been reported in the literature in individuals affected with MSH6-related conditions. This variant is not present in population databases (gnomAD no frequency). This sequence change replaces tyrosine, which is neutral and polar, with histidine, which is basic and polar, at codon 589 of the MSH6 protein (p.Tyr589His).

NM_000179.3(MSH6):c.1765T>C (p.Tyr589His)

Gene: MSH6 (mutS homolog 6; plus strand). Cytogenetic location: 2p16.3.
Variant type: single nucleotide variant.
Coding change: c.1765T>C on transcript NM_000179.3 (MANE Select); coding-DNA position 1765, T replaced by C.
Protein change: p.Tyr589His; replaces tyrosine 589 with histidine.
Molecular consequence: missense variant.
Genome position (GRCh38, 1-based): chr2:47,799,748, T>C. VCF-style: chr2-47799748-T-C. GRCh37 (hg19) VCF-style: chr2-48026887-T-C.
Other names: c.1375T>C, p.Tyr459His (NM_001281492.2); c.859T>C, p.Tyr287His (NM_001281493.2, NM_001281494.2, NM_001406811.1 and 6 more transcripts); c.1861T>C, p.Tyr621His (NM_001406795.1, NM_001406802.1); c.1765T>C, p.Tyr589His (NM_001406796.1, NM_001406798.1, NM_001406800.1 and 3 more transcripts); c.1468T>C, p.Tyr490His (NM_001406797.1, NM_001406801.1, NM_001406805.1 and 10 more transcripts); c.1240T>C, p.Tyr414His (NM_001406799.1, NM_001406806.1, NM_001406807.1); c.1687T>C, p.Tyr563His (NM_001406804.1); c.1771T>C, p.Tyr591His (NM_001406813.1); and 1 more; short protein forms Y490H, Y287H, Y459H, Y533H, Y589H, Y591H, Y621H, Y414H.
Identifiers: ClinVar variation 2084293 (VCV002084293.3), dbSNP rs2104366234, ClinGen allele CA346749094.